The following is an entry in ClinVar:

ClinVar aggregate classification (germline): Likely benign (0 of 4 stars; one submission).

Conditions:
A2ML1-related disorder. Also called: A2ML1-related condition.

Allele frequency attached by ClinVar (database versions not stated): gnomAD exomes below 0.00001; ExAC 0.00001; gnomAD 0.00001; 1000 Genomes Project 0.00020; 1000 Genomes Project 30x 0.00031.
gnomAD v4.1: 10 of 1,614,226 alleles (0.00062%); highest among the groups gnomAD compares: Admixed American, 0.0033%; no homozygotes.

Submission:

PreventionGenetics, part of Exact Sciences
Classification: Likely benign for A2ML1-related condition. Last evaluated: 2022-11-07. Review status: no assertion criteria provided. Collection method: clinical testing. Allele origin: germline.
Comment: This variant is classified as likely benign based on ACMG/AMP sequence variant interpretation guidelines (Richards et al. 2015 PMID: 25741868, with internal and published modifications).

NM_144670.6(A2ML1):c.3570G>A (p.Ala1190=)

Gene: A2ML1 (alpha-2-macroglobulin like 1; plus strand). Cytogenetic location: 12p13.31.
Variant type: single nucleotide variant.
Coding change: c.3570G>A on transcript NM_144670.6 (MANE Select); coding-DNA position 3570, G replaced by A.
Protein change: p.Ala1190=; no amino-acid change (alanine 1190 retained).
Molecular consequence: synonymous variant.
Genome position (GRCh38, 1-based): chr12:8,863,861, G>A. VCF-style: chr12-8863861-G-A. GRCh37 (hg19) VCF-style: chr12-9016457-G-A.
Other names: c.2097G>A, p.Ala699= (NM_001282424.3).
Identifiers: ClinVar variation 3032737 (VCV003032737.2), dbSNP rs764974282, ClinGen allele CA6436425.
Genomic context (GRCh38, chr12:8,863,861, plus strand): 5'-CATTTACTGGAGCCAGAAACCTACTCCATCATCGAACGCCAGCCCTTGGTCTGAGCCTGC[G>A]GCTGTAGATGTGGAACTCACAGCATATGCATTGTTGGCCCAGCTTACCAAGCCCAGCCTG-3'
Protein context (NP_653271.3, residues 1180-1200): SSNASPWSEP[Ala1190=]AVDVELTAYA